The following is an entry in ClinVar:

NM_001194998.2(CEP152):c.4655G>A (p.Ser1552Asn)

Gene: CEP152 (centrosomal protein 152; minus strand). Cytogenetic location: 15q21.1.
Variant type: single nucleotide variant.
Coding change: c.4655G>A on transcript NM_001194998.2 (MANE Select); coding-DNA position 4655, G replaced by A.
Protein change: p.Ser1552Asn; replaces serine 1552 with asparagine.
Molecular consequence: missense variant.
Genome position (GRCh38, 1-based): chr15:48,738,727, C>T on the plus strand (G>A on the coding strand, the complement: CEP152 is on the minus strand). VCF-style: chr15-48738727-C-T. GRCh37 (hg19) VCF-style: chr15-49030924-C-T.
Other names: c.4487G>A, p.Ser1496Asn (NM_014985.4); short protein forms S1496N, S1552N.
Identifiers: ClinVar variation 4699681 (VCV004699681.1).

ClinVar aggregate classification (germline): Uncertain significance (1 of 4 stars; one submission).

gnomAD v4.1: 16 of 1,614,066 alleles (0.00099%); highest among the groups gnomAD compares: Non-Finnish European, 0.0013%; no homozygotes.

Submission:

Labcorp Genetics (formerly Invitae), Labcorp
Classification: Uncertain significance. Last evaluated: 2025-02-02. Review status: criteria provided, single submitter. Criteria: Invitae Variant Classification Sherloc (09022015). Collection method: clinical testing. Allele origin: germline.
Comment: This sequence change replaces serine, which is neutral and polar, with asparagine, which is neutral and polar, at codon 1496 of the CEP152 protein (p.Ser1496Asn). This variant is present in population databases (no rsID available, gnomAD 0.002%). This variant has not been reported in the literature in individuals affected with CEP152-related conditions. An algorithm developed to predict the effect of missense changes on protein structure and function outputs the following: PolyPhen-2: "Benign". The asparagine amino acid residue is found in multiple mammalian species, which suggests that this missense change does not adversely affect protein function. In summary, the available evidence is currently insufficient to determine the role of this variant in disease. Therefore, it has been classified as a Variant of Uncertain Significance.